The following is an entry in ClinVar:

ClinVar aggregate classification (germline): Pathogenic (1 of 4 stars; one submission).

Conditions:
Hereditary cancer-predisposing syndrome. Also called: Hereditary Cancer Syndrome; Hereditary neoplastic syndrome; Neoplastic Syndromes, Hereditary; Tumor predisposition. Identifiers: Orphanet 140162, MedGen C0027672, MeSH D009386, MONDO:0015356.

Submission:

Ambry Genetics
Classification: Pathogenic for Hereditary cancer-predisposing syndrome. Last evaluated: 2025-06-05. Review status: criteria provided, single submitter. Criteria: Ambry Variant Classification Scheme 2023. Collection method: clinical testing. Allele origin: germline.
Comment: The c.955delT pathogenic mutation, located in coding exon 4 of the PALB2 gene, results from a deletion of one nucleotide at nucleotide position 955, causing a translational frameshift with a predicted alternate stop codon (p.S319Lfs*3). This variant is considered to be rare based on population cohorts in the Genome Aggregation Database (gnomAD). This alteration is expected to result in loss of function by premature protein truncation or nonsense-mediated mRNA decay. As such, this alteration is interpreted as a disease-causing mutation.

NM_024675.4(PALB2):c.955del (p.Ser319fs)

Gene: PALB2 (partner and localizer of BRCA2; minus strand). Cytogenetic location: 16p12.2.
Variant type: Deletion.
Coding change: c.955del on transcript NM_024675.4 (MANE Select); coding-DNA position 955, one base deleted (T; older notation c.955delT).
Protein change: p.Ser319fs; shifts the reading frame from serine 319.
Molecular consequence: frameshift variant. On other transcripts: intron variant (3).
Genome position (GRCh38, 1-based): chr16:23,635,591, A deleted on the plus strand (T on the coding strand, the reverse complement: PALB2 is on the minus strand); the first of 2 consecutive A bases (chr16:23,635,591-23,635,592); deleting either gives the same sequence. VCF-style (leftmost placement, unchanged base first): chr16-23635590-GA-G. GRCh37 (hg19) VCF-style: chr16-23646911-GA-G.
Other names: c.895del, p.Ser299fs (NM_001407296.1); c.955del, p.Ser319fs (NM_001407297.1, NM_001407298.1, NM_001407299.1 and 3 more transcripts); c.70del, p.Ser24fs (NM_001407304.1, NM_001407305.1, NM_001407306.1 and 5 more transcripts); c.48+5519del (NM_001407314.1); c.-104-5122del (NM_001407313.1, NM_001407312.1); c.955delT (NM_024675.3); short protein forms S24fs, S299fs, S319fs.
Identifiers: ClinVar variation 3927460 (VCV003927460.1).